The following is an entry in ClinVar:

NM_000540.3(RYR1):c.12688A>T (p.Met4230Leu)

Gene: RYR1 (ryanodine receptor 1; plus strand). Cytogenetic location: 19q13.2.
Variant type: single nucleotide variant.
Coding change: c.12688A>T on transcript NM_000540.3 (MANE Select); coding-DNA position 12688, A replaced by T.
Protein change: p.Met4230Leu; replaces methionine 4230 with leucine.
Molecular consequence: missense variant.
Genome position (GRCh38, 1-based): chr19:38,565,022, A>T. VCF-style: chr19-38565022-A-T. GRCh37 (hg19) VCF-style: chr19-39055662-A-T.
Other names: c.12673A>T, p.Met4225Leu (NM_001042723.2); short protein forms M4225L, M4230L.
Identifiers: ClinVar variation 3070136 (VCV003070136.3), dbSNP rs767810667, ClinGen allele CA405670923.

ClinVar aggregate classification (germline): Uncertain significance. Review status: criteria provided, multiple submitters, no conflicts (2 of 4 stars). 2 submissions from 2 submitters: Uncertain significance (2). Last evaluated 2025-12-04.

Conditions:
RYR1-related disorder. Also called: RYR1-related condition; RYR1-related disorders. Identifiers: MedGen CN239331.
Malignant hyperthermia, susceptibility to, 1 (MHS1). Also called: RYR1-Related Malignant Hyperthermia Susceptibility; Anesthesia related hyperthermia; Malignant hyperpyrexia; Fulminating hyperpyrexia; Pharmacogenic myopathy; Malignant hyperthermia suceptibility 1. Identifiers: Orphanet 423, MedGen C2930980, MONDO:0007783, OMIM 145600.

Allele frequency attached by ClinVar (database versions not stated): gnomAD 0.00001.
gnomAD v4.1: 9 of 1,589,698 alleles (0.00057%); highest among the groups gnomAD compares: Non-Finnish European, 0.00077%; no homozygotes.

Submissions (2):

Labcorp Genetics (formerly Invitae), Labcorp
Classification: Uncertain significance for RYR1-related disorder. Last evaluated: 2025-12-04. Review status: criteria provided, single submitter. Criteria: Invitae Variant Classification Sherloc (09022015). Collection method: clinical testing. Allele origin: germline.
Comment: This sequence change replaces methionine, which is neutral and non-polar, with leucine, which is neutral and non-polar, at codon 4230 of the RYR1 protein (p.Met4230Leu). This variant is present in population databases (no rsID available, gnomAD 0.001%). This missense change has been observed in individual(s) with RYR1-related conditions (PMID: 32236737). ClinVar contains an entry for this variant (Variation ID: 3070136). Invitae Evidence Modeling of protein sequence and biophysical properties (such as structural, functional, and spatial information, amino acid conservation, physicochemical variation, residue mobility, and thermodynamic stability) indicates that this missense variant is not expected to disrupt RYR1 protein function with a negative predictive value of 80%. In summary, the available evidence is currently insufficient to determine the role of this variant in disease. Therefore, it has been classified as a Variant of Uncertain Significance.

All of Us Research Program, National Institutes of Health
Classification: Uncertain significance for Malignant hyperthermia, susceptibility to, 1. Last evaluated: 2024-05-30. Review status: criteria provided, single submitter. Criteria: ACMG Guidelines, 2015. Collection method: clinical testing. Allele origin: germline. Inheritance: Autosomal dominant inheritance. Observed: 7 variant alleles, 7 heterozygotes.
Comment: This missense variant replaces methionine with leucine at codon 4230 of the RYR1 protein. Computational prediction is inconclusive regarding the impact of this variant on protein structure and function (internally defined REVEL score threshold 0.5 < inconclusive < 0.7, PMID: 27666373). To our knowledge, functional studies have not been reported for this variant. This variant has not been reported in individuals affected with RYR1-related disorders in the literature. This variant has been identified in 1/208640 chromosomes in the general population by the Genome Aggregation Database (gnomAD). The available evidence is insufficient to determine the role of this variant in disease conclusively. Therefore, this variant is classified as a Variant of Uncertain Significance.

This study involves interpretation of variants in research participants for the purpose of population health screening. Participant phenotype was not available at the time of variant classification. Additional details can be found in publication PMID: 35346344, PMCID: PMC8962531

Literature cited by the submitters: PubMed 32236737 (cited by Labcorp Genetics (formerly Invitae), Labcorp).